The following is an entry in ClinVar:

ClinVar aggregate classification (germline): Uncertain significance (1 of 4 stars; one submission).

Conditions:
Familial focal epilepsy with variable foci (FPEVF). Identifiers: Orphanet 98820, MedGen C1858477, MONDO:0020310.

Submission:

Labcorp Genetics (formerly Invitae), Labcorp
Classification: Uncertain significance for Familial focal epilepsy with variable foci. Last evaluated: 2022-06-11. Review status: criteria provided, single submitter. Criteria: Invitae Variant Classification Sherloc (09022015). Collection method: clinical testing. Allele origin: germline.
Comment: Information on the frequency of this variant in the gnomAD database is not available, as this variant may be reported differently in the database. In summary, the available evidence is currently insufficient to determine the role of this variant in disease. Therefore, it has been classified as a Variant of Uncertain Significance. Experimental studies and prediction algorithms are not available or were not evaluated, and the functional significance of this variant is currently unknown. This variant has not been reported in the literature in individuals affected with DEPDC5-related conditions. This sequence change replaces glycine, which is neutral and non-polar, with aspartic acid, which is acidic and polar, at codon 624 of the DEPDC5 protein (p.Gly624Asp).

NM_001242896.3(DEPDC5):c.1871_1872delinsAT (p.Gly624Asp)

Gene: DEPDC5 (DEP domain containing 5, GATOR1 subcomplex subunit; plus strand). Cytogenetic location: 22q12.3.
Variant type: Indel.
Coding change: c.1871_1872delinsAT on transcript NM_001242896.3 (MANE Select); coding-DNA positions 1871 to 1872, GG replaced by AT.
Protein change: p.Gly624Asp; replaces glycine 624 with aspartic acid.
Molecular consequence: missense variant. On other transcripts: non-coding transcript variant (4), intron variant (3).
Genome position (GRCh38, 1-based): chr22:31,821,502-31,821,503, GG replaced by AT. VCF-style: chr22-31821502-GG-AT. GRCh37 (hg19) VCF-style: chr22-32217488-GG-AT.
Other names: c.1871_1872delinsAT, p.Gly624Asp (NM_001136029.4, NM_001363852.2, NM_001364318.2 and 3 more transcripts); c.1787_1788delinsAT, p.Gly596Asp (NM_001369901.1, NM_001369902.1); c.1870+2277_1870+2278delinsAT (NM_001363854.2, NM_001242897.2, NM_001364319.2); short protein forms G624D, G596D.
Identifiers: ClinVar variation 1997750 (VCV001997750.4), dbSNP rs2519445346, ClinGen allele CA2580099614.
Genomic context (GRCh38, chr22:31,821,502, plus strand): 5'-TAAGTGCACAGCACTAGCTATCAGGTGGGAATGATGCTCAGTGGTTCTTTATCTGGGTAG[GG>AT]CCATCCGGAGAAGCCATCCAGATCCACCACCAGACCCGACAGAATATGGCGGAGCTACAA-3'
Protein context (NP_001229825.1, residues 614-634): RRRWMHTFPV[Gly624Asp]PSGEAIQIHH